The following is an entry in ClinVar:

NM_181523.3(PIK3R1):c.1569-3C>T

Gene: PIK3R1 (phosphoinositide-3-kinase regulatory subunit 1; plus strand). Cytogenetic location: 5q13.1.
Variant type: single nucleotide variant.
Coding change: c.1569-3C>T on transcript NM_181523.3 (MANE Select); 3 bases into the intron before coding-DNA position 1569, C replaced by T.
Molecular consequence: intron variant.
Genome position (GRCh38, 1-based): chr5:68,295,145, C>T. VCF-style: chr5-68295145-C-T. GRCh37 (hg19) VCF-style: chr5-67590973-C-T.
Other names: c.480-3C>T (NM_001242466.2); c.669-3C>T (NM_181524.2); c.759-3C>T (NM_181504.4).
Identifiers: ClinVar variation 1377566 (VCV001377566.6), dbSNP rs1747637758, ClinGen allele CA1553406130.

ClinVar aggregate classification (germline): Uncertain significance (1 of 4 stars; one submission).

Conditions:
SHORT syndrome. Also called: LIPODYSTROPHY, PARTIAL, WITH RIEGER ANOMALY AND SHORT STATURE; PIK3R1-Related SHORT Syndrome; SHORT STATURE, HYPEREXTENSIBILITY, HERNIA, OCULAR DEPRESSION, RIEGER ANOMALY, AND TEETHING DELAY. Identifiers: Orphanet 3163, MedGen C0878684, MONDO:0010026, OMIM 269880.
Agammaglobulinemia 7, autosomal recessive (AGM7). Also called: AGAMMAGLOBULINEMIA, AUTOSOMAL RECESSIVE, DUE TO PIK3R1 DEFECT. Identifiers: MedGen C3554689, MONDO:0014083, OMIM 615214.
Immunodeficiency 36 with lymphoproliferation. Also called: Immunodeficiency 36; ACTIVATED PI3K-DELTA SYNDROME 2; Activated PI3K Delta Syndrome Type 2 (APDS2). Identifiers: Orphanet 397596, Orphanet 693681, MedGen C4014934, MONDO:0014453, OMIM 616005.

gnomAD v4.1: 1 of 1,611,850 alleles (0.000062%); no homozygotes.

Submission:

Labcorp Genetics (formerly Invitae), Labcorp
Classification: Uncertain significance for SHORT syndrome; Immunodeficiency 36 with lymphoproliferation; Agammaglobulinemia 7, autosomal recessive. Last evaluated: 2022-03-10. Review status: criteria provided, single submitter. Criteria: Invitae Variant Classification Sherloc (09022015). Collection method: clinical testing. Allele origin: germline.
Comment: In summary, the available evidence is currently insufficient to determine the role of this variant in disease. Therefore, it has been classified as a Variant of Uncertain Significance. Variants that disrupt the consensus splice site are a relatively common cause of aberrant splicing (PMID: 17576681, 9536098). Algorithms developed to predict the effect of sequence changes on RNA splicing suggest that this variant is not likely to affect RNA splicing. This variant has not been reported in the literature in individuals affected with PIK3R1-related conditions. This variant is not present in population databases (gnomAD no frequency). This sequence change falls in intron 12 of the PIK3R1 gene. It does not directly change the encoded amino acid sequence of the PIK3R1 protein. It affects a nucleotide within the consensus splice site.

Literature cited by the submitters: PubMed 17576681; PubMed 9536098.